The following is an entry in ClinVar:

ClinVar aggregate classification (germline): Likely benign (1 of 4 stars; one submission).

Conditions:
ABCC12-related condition.

gnomAD v4.1: 21 of 1,614,102 alleles (0.0013%); highest among the groups gnomAD compares: Middle Eastern, 0.016%; no homozygotes.

Submission:

PreventionGenetics, part of Exact Sciences
Classification: Likely benign for ABCC12-related condition. Last evaluated: 2026-01-22. Review status: criteria provided, single submitter. Criteria: ACMG Guidelines, 2015. Collection method: clinical testing. Allele origin: germline.
Comment: This variant is classified as likely benign based on ACMG/AMP sequence variant interpretation guidelines (Richards et al. 2015 PMID: 25741868, with internal and published modifications).

NM_001393797.1(ABCC12):c.2823C>T (p.Leu941=)

Gene: ABCC12 (ATP binding cassette subfamily C member 12; minus strand). Cytogenetic location: 16q12.1.
Variant type: single nucleotide variant.
Coding change: c.2823C>T on transcript NM_001393797.1 (MANE Select); coding-DNA position 2823, C replaced by T.
Protein change: p.Leu941=; no amino-acid change (leucine 941 retained).
Molecular consequence: synonymous variant. On other transcripts: non-coding transcript variant (5).
Genome position (GRCh38, 1-based): chr16:48,104,219, G>A on the plus strand (C>T on the coding strand, the complement: ABCC12 is on the minus strand). VCF-style: chr16-48104219-G-A. GRCh37 (hg19) VCF-style: chr16-48138130-G-A.
Other names: c.2823C>T, p.Leu941= (NM_033226.3).
Identifiers: ClinVar variation 4977993 (VCV004977993.1).